The following is an entry in ClinVar:

NM_138927.4(SON):c.6499dup (p.Ser2167fs)

Gene: SON (SON DNA and RNA binding protein; plus strand). Cytogenetic location: 21q22.11.
Variant type: Duplication.
Coding change: c.6499dup on transcript NM_138927.4 (MANE Select); coding-DNA position 6499, one base duplicated (A; older notation c.6499dupA).
Protein change: p.Ser2167fs; shifts the reading frame from serine 2167.
Molecular consequence: frameshift variant. On other transcripts: non-coding transcript variant (1).
Genome position (GRCh38, 1-based): chr21:33,559,617, A duplicated; the last of 5 consecutive A bases (chr21:33,559,613-33,559,617); duplicating any one gives the same sequence. VCF-style (leftmost placement, unchanged base first): chr21-33559612-C-CA. GRCh37 (hg19) VCF-style: chr21-34931918-C-CA.
Other names: c.583dup, p.Ser195fs (NM_001291412.3); c.6499dup, p.Ser2167fs (NM_032195.3); c.6499dupA (NM_032195.2); short protein forms S195fs, S2167fs.
Identifiers: ClinVar variation 818041 (VCV000818041.1), dbSNP rs1601280271, ClinGen allele CA915952987.

ClinVar aggregate classification (germline): Pathogenic (1 of 4 stars; one submission).

Submission:

GeneDx
Classification: Pathogenic. Last evaluated: 2019-03-08. Review status: criteria provided, single submitter. Criteria: GeneDx Variant Classification (06012015). Collection method: clinical testing. Allele origin: germline. Affected: yes.
Comment: The c.6499dupA pathogenic variant in the SON gene causes a frameshift starting with codon Serine 2167, changes this amino acid to a Lysine residue and creates a premature Stop codon at position 24 of the new reading frame, denoted p.Ser2167LysfsX24. This pathogenic variant is predicted to cause loss of normal protein function either through protein truncation or nonsense-mediated mRNA decay. The c.6499dupA variant is not observed in large population cohorts (Lek et al., 2016).